The following is an entry in ClinVar:

NM_000390.4(CHM):c.838G>C (p.Asp280His)

Gene: CHM (CHM Rab escort protein; minus strand). Cytogenetic location: Xq21.2.
Variant type: single nucleotide variant.
Coding change: c.838G>C on transcript NM_000390.4 (MANE Select); coding-DNA position 838, G replaced by C.
Protein change: p.Asp280His; replaces aspartic acid 280 with histidine.
Molecular consequence: missense variant.
Genome position (GRCh38, 1-based): chrX:85,957,957, C>G on the plus strand (G>C on the coding strand, the complement: CHM is on the minus strand). VCF-style: chrX-85957957-C-G. GRCh37 (hg19) VCF-style: chrX-85212962-C-G.
Other names: c.394G>C, p.Asp132His (NM_001320959.1, NM_001362517.1, NM_001362518.2 and 1 more transcripts); c.838G>C (NM_000390.2); short protein forms D132H, D280H.
Identifiers: ClinVar variation 1431743 (VCV001431743.9), dbSNP rs139655348, ClinGen allele CA332654915.

ClinVar aggregate classification (germline): Uncertain significance. Review status: criteria provided, multiple submitters, no conflicts (2 of 4 stars). 2 submissions from 2 submitters: Uncertain significance (2). Last evaluated 2025-08-25.

Conditions:
Inborn genetic diseases. Identifiers: MedGen C0950123, MeSH D030342.

Allele frequency attached by ClinVar (database versions not stated): gnomAD exomes 0.00001 and 0.00002; TOPMed 0.00006; gnomAD 0.00007 and 0.00008; ESP Exome Variant Server 0.00009.
gnomAD v4.1: 16 of 1,209,085 alleles (0.0013%); highest among the groups gnomAD compares: African/African-American, 0.026%; no homozygotes.

Submissions (2):

Ambry Genetics
Classification: Uncertain significance for Inborn genetic diseases. Last evaluated: 2025-08-25. Review status: criteria provided, single submitter. Criteria: Ambry Variant Classification Scheme 2023. Collection method: clinical testing. Allele origin: germline.

Labcorp Genetics (formerly Invitae), Labcorp
Classification: Uncertain significance. Last evaluated: 2025-04-22. Review status: criteria provided, single submitter. Criteria: Invitae Variant Classification Sherloc (09022015). Collection method: clinical testing. Allele origin: germline.
Comment: This sequence change replaces aspartic acid, which is acidic and polar, with histidine, which is basic and polar, at codon 280 of the CHM protein (p.Asp280His). This variant is present in population databases (rs139655348, gnomAD 0.03%). This variant has not been reported in the literature in individuals affected with CHM-related conditions. ClinVar contains an entry for this variant (Variation ID: 1431743). Invitae Evidence Modeling of protein sequence and biophysical properties (such as structural, functional, and spatial information, amino acid conservation, physicochemical variation, residue mobility, and thermodynamic stability) indicates that this missense variant is expected to disrupt CHM protein function with a positive predictive value of 80%. In summary, the available evidence is currently insufficient to determine the role of this variant in disease. Therefore, it has been classified as a Variant of Uncertain Significance.